The following is an entry in ClinVar:

ClinVar aggregate classification (germline): Likely pathogenic (1 of 4 stars; one submission).

Conditions:
Diffuse cerebral and cerebellar atrophy - intractable seizures - progressive microcephaly syndrome. Also called: Microcephaly, progressive, with seizures and cerebral and cerebellar atrophy. Identifiers: Orphanet 404437, MedGen C4014239, MONDO:0014335, OMIM 615760.

Submission:

Labcorp Genetics (formerly Invitae), Labcorp
Classification: Likely pathogenic for Diffuse cerebral and cerebellar atrophy - intractable seizures - progressive microcephaly syndrome. Last evaluated: 2024-02-13. Review status: criteria provided, single submitter. Criteria: Invitae Variant Classification Sherloc (09022015). Collection method: clinical testing. Allele origin: germline.
Comment: This sequence change affects a splice site in intron 21 of the QARS gene. It is expected to disrupt RNA splicing. Variants that disrupt the donor or acceptor splice site typically lead to a loss of protein function (PMID: 16199547), and loss-of-function variants in QARS are known to be pathogenic (PMID: 24656866, 25471517). This variant is not present in population databases (gnomAD no frequency). This variant has not been reported in the literature in individuals affected with QARS-related conditions. Algorithms developed to predict the effect of sequence changes on RNA splicing suggest that this variant may disrupt the consensus splice site. In summary, the currently available evidence indicates that the variant is pathogenic, but additional data are needed to prove that conclusively. Therefore, this variant has been classified as Likely Pathogenic.

Literature cited by the submitters: PubMed 16199547; PubMed 24656866; PubMed 25471517.

NM_005051.3(QARS1):c.2084+2_2084+3del

Gene: QARS1 (glutaminyl-tRNA synthetase 1; minus strand). Cytogenetic location: 3p21.31.
Variant type: Microsatellite.
Coding change: c.2084+2_2084+3del on transcript NM_005051.3 (MANE Select); the canonical splice donor site of the intron after coding-DNA position 2084 through 3 bases into the intron after coding-DNA position 2084, 2 bases deleted (TG; older notation c.2084+2_2084+3delTG).
Molecular consequence: splice donor variant.
Genome position (GRCh38, 1-based): chr3:49,098,350-49,098,351, CA deleted on the plus strand (TG on the coding strand, the reverse complement: QARS1 is on the minus strand); deleting any 2 consecutive bases within chr3:49,098,350-49,098,353 gives the same sequence; the c. name uses the placement nearest the transcript's 3' end. VCF-style (leftmost placement, unchanged base first): chr3-49098349-TCA-T. GRCh37 (hg19) VCF-style: chr3-49135782-TCA-T.
Other names: c.2051+2_2051+3del (NM_001272073.2).
Identifiers: ClinVar variation 1521213 (VCV001521213.6), dbSNP rs2107095933, ClinGen allele CA2580616456.